The following is an entry in ClinVar:

ClinVar aggregate classification (germline): Uncertain significance (1 of 4 stars; one submission).

Allele frequency attached by ClinVar (database versions not stated): TOPMed 0.00001.

Submission:

Labcorp Genetics (formerly Invitae), Labcorp
Classification: Uncertain significance. Last evaluated: 2022-11-22. Review status: criteria provided, single submitter. Criteria: Invitae Variant Classification Sherloc (09022015). Collection method: clinical testing. Allele origin: germline.
Comment: This sequence change replaces alanine, which is neutral and non-polar, with glycine, which is neutral and non-polar, at codon 79 of the ESPN protein (p.Ala79Gly). This variant is not present in population databases (gnomAD no frequency). This variant has not been reported in the literature in individuals affected with ESPN-related conditions. Algorithms developed to predict the effect of missense changes on protein structure and function are either unavailable or do not agree on the potential impact of this missense change (SIFT: "Tolerated"; PolyPhen-2: "Probably Damaging"; Align-GVGD: "Class C0"). In summary, the available evidence is currently insufficient to determine the role of this variant in disease. Therefore, it has been classified as a Variant of Uncertain Significance.

NM_031475.3(ESPN):c.236C>G (p.Ala79Gly)

Gene: ESPN (espin; plus strand). Cytogenetic location: 1p36.31.
Variant type: single nucleotide variant.
Coding change: c.236C>G on transcript NM_031475.3 (MANE Select); coding-DNA position 236, C replaced by G.
Protein change: p.Ala79Gly; replaces alanine 79 with glycine.
Molecular consequence: missense variant.
Genome position (GRCh38, 1-based): chr1:6,425,191, C>G. VCF-style: chr1-6425191-C-G. GRCh37 (hg19) VCF-style: chr1-6485251-C-G.
Other names: c.236C>G, p.Ala79Gly (NM_001367473.1, NM_001367474.1); short protein forms A79G.
Identifiers: ClinVar variation 1517214 (VCV001517214.6), dbSNP rs1642990503, ClinGen allele CA338084158.